The following is an entry in ClinVar:

ClinVar aggregate classification (germline): Conflicting classifications of pathogenicity. Review status: criteria provided, conflicting classifications (1 of 4 stars). 6 submissions from 5 submitters: Pathogenic (1); Likely pathogenic (2); Uncertain significance (3). Last evaluated 2026-06-26.

Conditions:
Enhanced S-cone syndrome (ESCS). Identifiers: Orphanet 53540, MedGen C1849394, MONDO:0100288, MONDO:0009989.
Retinitis pigmentosa 37 (RP37). Identifiers: Orphanet 791, MedGen C1970163, MONDO:0012625, OMIM 611131.
NR2E3-related disorder. Also called: NR2E3-related disorders; NR2E3-related condition. Identifiers: MedGen CN239387.
ENHANCED S-CONE SYNDROME 1 (ESCS1). Also called: RETINOSCHISIS WITH EARLY HEMERALOPIA; FAVRE HYALOIDEORETINAL DEGENERATION. Identifiers: MedGen CN380299, OMIM 268100.

Allele frequency attached by ClinVar (database versions not stated): ExAC 0.00003.
gnomAD v4.1: 8 of 1,613,834 alleles (0.0005%); highest among the groups gnomAD compares: East Asian, 0.0022%; no homozygotes.

Submissions (6):

Myriad Genetics, Inc.
Classification: Uncertain significance for ENHANCED S-CONE SYNDROME 1. Last evaluated: 2026-06-26. Review status: criteria provided, single submitter. Criteria: Myriad Autosomal Dominant, Autosomal Recessive and X-Linked Classification Criteria (2023). Collection method: clinical testing. Allele origin: unknown.
Comment: NM_014249.2(NR2E3):c.925C>T(R309W) is a missense variant classified as a variant of uncertain significance in the context of enhanced S-cone syndrome. R309W has been observed in cases with relevant disease (PMID: 33781268, 38219857, 40184577, 36460718). Relevant functional assessments of this variant are not available in the literature. Internal structural analysis of the variant is supportive of pathogenicity. R309W has been observed in referenced population frequency databases. In summary, there is insufficient evidence to classify NM_014249.2(NR2E3):c.925C>T(R309W) as pathogenic or benign. Please note: this variant was assessed in the context of healthy population screening.

Natera, Inc.
Classification: Likely pathogenic for Enhanced S cone syndrome. Last evaluated: 2025-10-03. Review status: criteria provided, single submitter. Criteria: Natera Variant Classification Schema (03/2026). Collection method: clinical testing. Allele origin: germline.
Comment: The c.925C>T variant in NR2E3 is a missense variant predicted to cause substitution of arginine to tryptophan at amino acid 309. This variant is rare in the general population with a frequency below the threshold expected for the associated phenotype(s). This variant has been observed in one or more individuals affected with the associated recessive disease, as either homozygous or compound heterozygous with a second variant (PMID: 38219857, 33781268). A different variant at the same position has been determined to be Pathogenic or Likely Pathogenic. Computational prediction algorithms indicate this variant is likely to affect gene or protein function. Given the available evidence, this variant is classified as Likely Pathogenic.

Labcorp Genetics (formerly Invitae), Labcorp
Classification: Pathogenic. Last evaluated: 2025-03-14. Review status: criteria provided, single submitter. Criteria: Invitae Variant Classification Sherloc (09022015). Collection method: clinical testing. Allele origin: germline.
Comment: This sequence change replaces arginine, which is basic and polar, with tryptophan, which is neutral and slightly polar, at codon 309 of the NR2E3 protein (p.Arg309Trp). This variant is present in population databases (rs774102273, gnomAD 0.005%). This missense change has been observed in individual(s) with clinical features of enhanced S-cone syndrome and/or Goldmann-Favre syndrome (PMID: 33781268; internal data). ClinVar contains an entry for this variant (Variation ID: 884317). Invitae Evidence Modeling of protein sequence and biophysical properties (such as structural, functional, and spatial information, amino acid conservation, physicochemical variation, residue mobility, and thermodynamic stability) indicates that this missense variant is expected to disrupt NR2E3 protein function with a positive predictive value of 80%. This variant disrupts the p.Arg309 amino acid residue in NR2E3. Other variant(s) that disrupt this residue have been determined to be pathogenic (PMID: 10655056, 15459973, 19718767; internal data). This suggests that this residue is clinically significant, and that variants that disrupt this residue are likely to be disease-causing. For these reasons, this variant has been classified as Pathogenic.

Blueprint Genetics
Classification: Likely pathogenic for NR2E3-related disorders. Last evaluated: 2020-07-16. Review status: criteria provided, single submitter. Criteria: ACMG Guidelines, 2015. Collection method: clinical testing. Allele origin: germline. Affected: yes. Observed: 1 variant allele.

Illumina Laboratory Services, Illumina
Classification: Uncertain significance for Retinitis pigmentosa 37. Last evaluated: 2017-04-27. Review status: criteria provided, single submitter. Criteria: ICSL Variant Classification Criteria 13 December 2019. Collection method: clinical testing. Allele origin: germline.

Illumina Laboratory Services, Illumina
Classification: Uncertain significance for ENHANCED S-CONE SYNDROME 1. Last evaluated: 2017-04-27. Review status: criteria provided, single submitter. Criteria: ICSL Variant Classification Criteria 13 December 2019. Collection method: clinical testing. Allele origin: germline.

Literature cited by the submitters: PubMed 33781268 (cited by 3 submitters); PubMed 36460718 (cited by Myriad Genetics, Inc.); PubMed 38219857 (cited by Myriad Genetics, Inc. and Natera, Inc.); PubMed 40184577 (cited by Myriad Genetics, Inc.); PubMed 10655056 (cited by Labcorp Genetics (formerly Invitae), Labcorp); PubMed 15459973 (cited by Labcorp Genetics (formerly Invitae), Labcorp); PubMed 19718767 (cited by Labcorp Genetics (formerly Invitae), Labcorp).

NM_014249.4(NR2E3):c.925C>T (p.Arg309Trp)

Gene: NR2E3 (nuclear receptor subfamily 2 group E member 3; plus strand). Cytogenetic location: 15q23.
Variant type: single nucleotide variant.
Coding change: c.925C>T on transcript NM_014249.4 (MANE Select); coding-DNA position 925, C replaced by T.
Protein change: p.Arg309Trp; replaces arginine 309 with tryptophan.
Molecular consequence: missense variant.
Genome position (GRCh38, 1-based): chr15:71,813,566, C>T. VCF-style: chr15-71813566-C-T. GRCh37 (hg19) VCF-style: chr15-72105906-C-T.
Other names: c.925C>T, p.Arg309Trp (NM_016346.4); short protein forms R309W.
Identifiers: ClinVar variation 884317 (VCV000884317.17), dbSNP rs774102273, ClinGen allele CA7640434.
Genomic context (GRCh38, chr15:71,813,566, plus strand): 5'-GCCCAGGGCCGGCTCACGCTGGCCAGCATGGAGACGCGTGTCCTGCAGGAAACTATCTCT[C>T]GGTTCCGGGCATTGGCGGTGGACCCCACGGAGTTTGCCTGCATGAAGGCCTTGGTCCTCT-3'
Protein context (NP_055064.1, residues 299-319): ETRVLQETIS[Arg309Trp]FRALAVDPTE